The following is an entry in ClinVar:

NM_000132.4(F8):c.5190G>T (p.Met1730Ile)

Gene: F8 (coagulation factor VIII; minus strand). Cytogenetic location: Xq28.
Variant type: single nucleotide variant.
Coding change: c.5190G>T on transcript NM_000132.4 (MANE Select); coding-DNA position 5190, G replaced by T.
Protein change: p.Met1730Ile; replaces methionine 1730 with isoleucine.
Molecular consequence: missense variant.
Genome position (GRCh38, 1-based): chrX:154,928,600, C>A on the plus strand (G>T on the coding strand, the complement: F8 is on the minus strand). VCF-style: chrX-154928600-C-A. GRCh37 (hg19) VCF-style: chrX-154156875-C-A.
Other names: short protein forms M1730I.
Identifiers: ClinVar variation 4685785 (VCV004685785.1).
Genomic context (GRCh38, chrX:154,928,600, plus strand): 5'-CAGAGCAAAGGAATAACCAATGCATTCATACCTGTTTCTTAGAACATGTGGGGAGCTACT[C>A]ATCCCATAATCCCAGAGCCTCTCCACTGCAGCAATAAAATAGTGTCGTGTTTTCTTTTGA-3'
Protein context (NP_000123.1, residues 1720-1740): AAVERLWDYG[Met1730Ile]SSSPHVLRNR

ClinVar aggregate classification (germline): Uncertain significance (1 of 4 stars; one submission).

Submission:

ARUP Laboratories, Molecular Genetics and Genomics, ARUP Laboratories
Classification: Uncertain significance. Last evaluated: 2025-04-30. Review status: criteria provided, single submitter. Criteria: ARUP Molecular Germline Variant Investigation Process 2024. Collection method: clinical testing. Allele origin: germline.
Comment: The F8 c.5190G>T; p.Met1730Ile variant (rs782385128) is reported in the literature in one individual from a hemostasis disorder cohort (Stefanucci 2023) and in one individual with mild hemophilia A who also carries p.Ala2347Pro in the F8 gene, however, variant phase was not provided (Hallden 2012). This variant is only observed on two alleles in the Genome Aggregation Database (v2.1.1), indicating it is not a common polymorphism. Additionally, another variant at this codon (c.5188A>G; p.Met1730Val) has been reported in individuals with severe hemophilia A and is considered to be likely pathogenic (see F8 database and references therein, Reitter 2010 ). Computational analyses are uncertain whether this variant is neutral or deleterious (REVEL: 0.599). Given the lack of clinical and functional data, the significance of this variant is uncertain at this time. References: Link to F8 database: Hallden C et al. Origin of Swedish hemophilia A mutations. J Thromb Haemost. 2012 Dec;10(12):2503-11. PMID: 23020595. Reitter S et al. Spectrum of causative mutations in patients with haemophilia A in Austria. Thromb Haemost. 2010 Jul;104(1):78-85. PMID: 20431853. Stefanucci L et al. The effects of pathogenic and likely pathogenic variants for inherited hemostasis disorders in 140?214 UK Biobank participants. Blood. 2023 Dec 14;142(24):2055-2068. PMID: 37647632.